The following is an entry in ClinVar:

ClinVar aggregate classification (germline): Uncertain significance (1 of 4 stars; one submission).

Submission:

Women's Health and Genetics/Laboratory Corporation of America, LabCorp
Classification: Uncertain significance. Last evaluated: 2024-12-04. Review status: criteria provided, single submitter. Criteria: LabCorp Variant Classification Summary - May 2015. Collection method: clinical testing. Allele origin: germline.
Comment: Variant summary: COL9A1 c.335_337delCCT (p.Ser112del) results in an in-frame deletion that is predicted to remove one amino acids from the encoded protein. The variant was absent in 250528 control chromosomes. The available data on variant occurrences in the general population are insufficient to allow any conclusion about variant significance. To our knowledge, no occurrence of c.335_337delCCT in individuals affected with COL9A1-Related Disorders and no experimental evidence demonstrating its impact on protein function have been reported. No submitters have cited clinical-significance assessments for this variant to ClinVar. Based on the evidence outlined above, the variant was classified as uncertain significance.

NM_001851.6(COL9A1):c.335_337del (p.Ser112del)

Gene: COL9A1 (collagen type IX alpha 1 chain; minus strand). Cytogenetic location: 6q13.
Variant type: Deletion.
Coding change: c.335_337del on transcript NM_001851.6 (MANE Select); coding-DNA positions 335 to 337, 3 bases deleted (CCT; older notation c.335_337delCCT).
Protein change: p.Ser112del; deletes serine 112.
Genome position (GRCh38, 1-based): chr6:70,294,526-70,294,528, AGG deleted on the plus strand (CCT on the coding strand, the reverse complement: COL9A1 is on the minus strand); deleting any 3 consecutive bases within chr6:70,294,526-70,294,530 gives the same sequence; the c. name uses the placement nearest the transcript's 3' end. VCF-style (leftmost placement, unchanged base first): chr6-70294525-AAGG-A. GRCh37 (hg19) VCF-style: chr6-71004228-AAGG-A.
Other names: c.335_337del, p.Ser112del (NM_001377291.1); c.335_337delCCT (NM_001851.6); short protein forms S112del.
Identifiers: ClinVar variation 3768287 (VCV003768287.1).
Genomic context (GRCh38, chr6:70,294,525, plus strand): 5'-ATCTGCCAAATGTTCCAGTTCTTTTTGAGAGTGCTTCCAGTCATTCGAAACGTCGTCAAG[AAGG>A]AGTATTCTTCAGGCAGTCCACTGGGATATAAATTCCTGAGTAAAATTTTTAAATAGTAAA-3'